The following is an entry in ClinVar:

NM_144670.6(A2ML1):c.3933+4A>G

Gene: A2ML1 (alpha-2-macroglobulin like 1; plus strand). Cytogenetic location: 12p13.31.
Variant type: single nucleotide variant.
Coding change: c.3933+4A>G on transcript NM_144670.6 (MANE Select); 4 bases into the intron after coding-DNA position 3933, A replaced by G.
Molecular consequence: intron variant.
Genome position (GRCh38, 1-based): chr12:8,868,061, A>G. VCF-style: chr12-8868061-A-G. GRCh37 (hg19) VCF-style: chr12-9020657-A-G.
Other names: c.2460+4A>G (NM_001282424.3).
Identifiers: ClinVar variation 928818 (VCV000928818.8), dbSNP rs779680238, ClinGen allele CA6436514.

ClinVar aggregate classification (germline): Uncertain significance. Review status: criteria provided, multiple submitters, no conflicts (2 of 4 stars). 3 submissions from 3 submitters: Uncertain significance (2). 1 of the submissions does not count toward it. Last evaluated 2025-11-18.

Conditions:
A2ML1-related disorder. Also called: A2ML1-related condition.

Allele frequency attached by ClinVar (database versions not stated): ExAC 0.00002; gnomAD 0.00002 and 0.00003; gnomAD exomes 0.00003; TOPMed 0.00004.
gnomAD v4.1: 42 of 1,612,922 alleles (0.0026%); highest among the groups gnomAD compares: Non-Finnish European, 0.0032%; no homozygotes.

Submissions (3):

Labcorp Genetics (formerly Invitae), Labcorp
Classification: Uncertain significance. Last evaluated: 2025-11-18. Review status: criteria provided, single submitter. Criteria: Invitae Variant Classification Sherloc (09022015). Collection method: clinical testing. Allele origin: germline.
Comment: This sequence change falls in intron 30 of the A2ML1 gene. It does not directly change the encoded amino acid sequence of the A2ML1 protein. It affects a nucleotide within the consensus splice site. This variant is present in population databases (rs779680238, gnomAD 0.006%). This variant has not been reported in the literature in individuals affected with A2ML1-related conditions. ClinVar contains an entry for this variant (Variation ID: 928818). Variants that disrupt the consensus splice site are a relatively common cause of aberrant splicing (PMID: 17576681, 9536098). Algorithms developed to predict the effect of sequence changes on RNA splicing suggest that this variant is not likely to affect RNA splicing. In summary, the available evidence is currently insufficient to determine the role of this variant in disease. Therefore, it has been classified as a Variant of Uncertain Significance.

Women's Health and Genetics/Laboratory Corporation of America, LabCorp
Classification: Uncertain significance. Last evaluated: 2019-11-25. Review status: criteria provided, single submitter. Criteria: LabCorp Variant Classification Summary - May 2015. Collection method: clinical testing. Allele origin: germline.
Comment: Variant summary: A2ML1 c.3933+4A>G alters a non-conserved nucleotide located close to a canonical splice site and therefore could affect mRNA splicing, leading to a significantly altered protein sequence. 5/5 computational tools predict no significant impact on normal splicing. However, these predictions have yet to be confirmed by functional studies. The variant allele was found at a frequency of 3.2e-05 in 249138 control chromosomes (gnomAD). The available data on variant occurrences in the general population are insufficient to allow any conclusion about variant significance. To our knowledge, no occurrence of c.3933+4A>G in individuals affected with Noonan Syndrome and no experimental evidence demonstrating its impact on protein function have been reported. No clinical diagnostic laboratories have submitted clinical-significance assessments for this variant to ClinVar after 2014. Based on the evidence outlined above, the variant was classified as uncertain significance.

PreventionGenetics, part of Exact Sciences
Classification: Likely benign for A2ML1-related condition. Last evaluated: 2020-08-04. Review status: no assertion criteria provided. Collection method: clinical testing. Allele origin: germline. Not counted in ClinVar's aggregate classification.
Comment: This variant is classified as likely benign based on ACMG/AMP sequence variant interpretation guidelines (Richards et al. 2015 PMID: 25741868, with internal and published modifications).

Literature cited by the submitters: PubMed 17576681 (cited by Labcorp Genetics (formerly Invitae), Labcorp); PubMed 9536098 (cited by Labcorp Genetics (formerly Invitae), Labcorp).